The following is an entry in ClinVar:

ClinVar aggregate classification (germline): Uncertain significance (1 of 4 stars; one submission).

Conditions:
Familial thoracic aortic aneurysm and aortic dissection (TAAD). Also called: Thoracic aortic aneurysms and dissections. Identifiers: Orphanet 91387, MedGen C4707243, MONDO:0019625.

Submission:

Color Diagnostics, LLC DBA Color Health
Classification: Uncertain significance for Familial thoracic aortic aneurysm and aortic dissection. Last evaluated: 2023-12-04. Review status: criteria provided, single submitter. Criteria: ACMG Guidelines, 2015. Collection method: clinical testing. Allele origin: germline.
Comment: Variant of Uncertain Significance due to insufficient evidence: This missense variant is located in the calcium-binding EGF-like motif 28 of the FBN1 protein. Computational prediction tools and conservation analyses are inconclusive regarding the impact of this variant on the protein function. Computational splicing tools suggest that this variant may not impact RNA splicing. To our knowledge, functional assays have not been performed for this variant nor has this variant been reported in individuals affected with cardiovascular disorders in the literature. This variant is rare in the general population and has been identified in 0/277264 chromosomes by the Genome Aggregation Database (gnomAD). Available evidence is insufficient to determine the role of this variant in disease conclusively.

NM_000138.5(FBN1):c.5062A>G (p.Met1688Val)

Gene: FBN1 (fibrillin 1; minus strand). Cytogenetic location: 15q21.1.
Variant type: single nucleotide variant.
Coding change: c.5062A>G on transcript NM_000138.5 (MANE Select); coding-DNA position 5062, A replaced by G.
Protein change: p.Met1688Val; replaces methionine 1688 with valine.
Molecular consequence: missense variant.
Genome position (GRCh38, 1-based): chr15:48,463,902, T>C on the plus strand (A>G on the coding strand, the complement: FBN1 is on the minus strand). VCF-style: chr15-48463902-T-C. GRCh37 (hg19) VCF-style: chr15-48756099-T-C.
Other names: short protein forms M1688V.
Identifiers: ClinVar variation 923072 (VCV000923072.5), dbSNP rs2043300134, ClinGen allele CA392349506.
Genomic context (GRCh38, chr15:48,463,902, plus strand): 5'-TCTTCCTCTTTGTAGATGAGAACCAAACATGCATTACTGAGAAAAGCTTGGACTTACCCA[T>C]GCAATTATTTCCCCCATTCACTTGCATGTAGTCTGGAGGACAGATACAGGTGTAGTTGCC-3'
Protein context (NP_000129.3, residues 1678-1698): YMQVNGGNNC[Met1688Val]DMRRSLCYRN